The following is an entry in ClinVar:

NM_033305.3(VPS13A):c.4273C>G (p.Leu1425Val)

Gene: VPS13A (vacuolar protein sorting 13 homolog A; plus strand). Cytogenetic location: 9q21.2.
Variant type: single nucleotide variant.
Coding change: c.4273C>G on transcript NM_033305.3 (MANE Select); coding-DNA position 4273, C replaced by G.
Protein change: p.Leu1425Val; replaces leucine 1425 with valine.
Molecular consequence: missense variant.
Genome position (GRCh38, 1-based): chr9:77,314,525, C>G. VCF-style: chr9-77314525-C-G. GRCh37 (hg19) VCF-style: chr9-79929441-C-G.
Other names: c.4156C>G, p.Leu1386Val (NM_001018037.2); c.4273C>G, p.Leu1425Val (NM_001018038.3, NM_015186.4); short protein forms L1386V, L1425V.
Identifiers: ClinVar variation 1366833 (VCV001366833.5), dbSNP rs776796376, ClinGen allele CA194398856.

ClinVar aggregate classification (germline): Uncertain significance (1 of 4 stars; one submission).

Allele frequency attached by ClinVar (database versions not stated): gnomAD exomes 0.00001; TOPMed 0.00001.
gnomAD v4.1: 12 of 1,612,356 alleles (0.00074%); highest among the groups gnomAD compares: Non-Finnish European, 0.00093%; no homozygotes.

Submission:

Labcorp Genetics (formerly Invitae), Labcorp
Classification: Uncertain significance. Last evaluated: 2022-07-26. Review status: criteria provided, single submitter. Criteria: Invitae Variant Classification Sherloc (09022015). Collection method: clinical testing. Allele origin: germline.
Comment: This sequence change replaces leucine, which is neutral and non-polar, with valine, which is neutral and non-polar, at codon 1425 of the VPS13A protein (p.Leu1425Val). This variant is not present in population databases (gnomAD no frequency). This variant has not been reported in the literature in individuals affected with VPS13A-related conditions. ClinVar contains an entry for this variant (Variation ID: 1366833). Algorithms developed to predict the effect of missense changes on protein structure and function are either unavailable or do not agree on the potential impact of this missense change (SIFT: "Tolerated"; PolyPhen-2: "Probably Damaging"; Align-GVGD: "Class C0"). In summary, the available evidence is currently insufficient to determine the role of this variant in disease. Therefore, it has been classified as a Variant of Uncertain Significance.